The following is an entry in ClinVar:

ClinVar aggregate classification (germline): Uncertain significance (1 of 4 stars; one submission).

Allele frequency attached by ClinVar (database versions not stated): TOPMed below 0.00001.

Submission:

Labcorp Genetics (formerly Invitae), Labcorp
Classification: Uncertain significance. Last evaluated: 2024-11-11. Review status: criteria provided, single submitter. Criteria: Invitae Variant Classification Sherloc (09022015). Collection method: clinical testing. Allele origin: germline.
Comment: This sequence change replaces threonine, which is neutral and polar, with isoleucine, which is neutral and non-polar, at codon 2272 of the KMT2A protein (p.Thr2272Ile). This variant is not present in population databases (gnomAD no frequency). This variant has not been reported in the literature in individuals affected with KMT2A-related conditions. ClinVar contains an entry for this variant (Variation ID: 2058607). Invitae Evidence Modeling of protein sequence and biophysical properties (such as structural, functional, and spatial information, amino acid conservation, physicochemical variation, residue mobility, and thermodynamic stability) indicates that this missense variant is not expected to disrupt KMT2A protein function with a negative predictive value of 95%. In summary, the available evidence is currently insufficient to determine the role of this variant in disease. Therefore, it has been classified as a Variant of Uncertain Significance.

NM_001197104.2(KMT2A):c.6815C>T (p.Thr2272Ile)

Gene: KMT2A (lysine methyltransferase 2A; plus strand). Cytogenetic location: 11q23.3.
Variant type: single nucleotide variant.
Coding change: c.6815C>T on transcript NM_001197104.2 (MANE Select); coding-DNA position 6815, C replaced by T.
Protein change: p.Thr2272Ile; replaces threonine 2272 with isoleucine.
Molecular consequence: missense variant.
Genome position (GRCh38, 1-based): chr11:118,502,707, C>T. VCF-style: chr11-118502707-C-T. GRCh37 (hg19) VCF-style: chr11-118373422-C-T.
Other names: c.6905C>T, p.Thr2302Ile (NM_001412597.1); c.6806C>T, p.Thr2269Ile (NM_005933.4); short protein forms T2269I, T2302I, T2272I.
Identifiers: ClinVar variation 2058607 (VCV002058607.4), dbSNP rs1950519278, ClinGen allele CA382803083.